The following is an entry in ClinVar:

NM_004820.5(CYP7B1):c.1027A>G (p.Arg343Gly)

Gene: CYP7B1 (cytochrome P450 family 7 subfamily B member 1; minus strand). Cytogenetic location: 8q12.3.
Variant type: single nucleotide variant.
Coding change: c.1027A>G on transcript NM_004820.5 (MANE Select); coding-DNA position 1027, A replaced by G.
Protein change: p.Arg343Gly; replaces arginine 343 with glycine.
Molecular consequence: missense variant.
Genome position (GRCh38, 1-based): chr8:64,615,056, T>C on the plus strand (A>G on the coding strand, the complement: CYP7B1 is on the minus strand). VCF-style: chr8-64615056-T-C. GRCh37 (hg19) VCF-style: chr8-65527613-T-C.
Other names: c.1027A>G, p.Arg343Gly (NM_001324112.2); short protein forms R343G.
Identifiers: ClinVar variation 1719222 (VCV001719222.5), dbSNP rs1805413664, ClinGen allele CA371334444.

ClinVar aggregate classification (germline): Uncertain significance (1 of 4 stars; one submission).

Conditions:
Spastic paraplegia. Identifiers: MedGen C0037772, HP:0001258.

Submission:

Labcorp Genetics (formerly Invitae), Labcorp
Classification: Uncertain significance for Spastic paraplegia. Last evaluated: 2022-09-10. Review status: criteria provided, single submitter. Criteria: Invitae Variant Classification Sherloc (09022015). Collection method: clinical testing. Allele origin: germline.
Comment: This missense change has been observed in individual(s) with clinical features of hereditary spastic paraplegia (Invitae). In summary, the available evidence is currently insufficient to determine the role of this variant in disease. Therefore, it has been classified as a Variant of Uncertain Significance. Advanced modeling of protein sequence and biophysical properties (such as structural, functional, and spatial information, amino acid conservation, physicochemical variation, residue mobility, and thermodynamic stability) performed at Invitae indicates that this missense variant is expected to disrupt CYP7B1 protein function. This variant is not present in population databases (gnomAD no frequency). This sequence change replaces arginine, which is basic and polar, with glycine, which is neutral and non-polar, at codon 343 of the CYP7B1 protein (p.Arg343Gly).